The following is an entry in ClinVar:

ClinVar aggregate classification (germline): Uncertain significance (1 of 4 stars; one submission).

Conditions:
Atrial fibrillation, familial, 7 (ATFB7). Identifiers: MedGen C2677106, MONDO:0012828, OMIM 612240.

Submission:

Labcorp Genetics (formerly Invitae), Labcorp
Classification: Uncertain significance for Atrial fibrillation, familial, 7. Last evaluated: 2024-02-02. Review status: criteria provided, single submitter. Criteria: Invitae Variant Classification Sherloc (09022015). Collection method: clinical testing. Allele origin: germline.
Comment: This sequence change replaces threonine, which is neutral and polar, with asparagine, which is neutral and polar, at codon 15 of the KCNA5 protein (p.Thr15Asn). This variant is not present in population databases (gnomAD no frequency). This variant has not been reported in the literature in individuals affected with KCNA5-related conditions. An algorithm developed to predict the effect of missense changes on protein structure and function (PolyPhen-2) suggests that this variant is likely to be tolerated. In summary, the available evidence is currently insufficient to determine the role of this variant in disease. Therefore, it has been classified as a Variant of Uncertain Significance.

NM_002234.4(KCNA5):c.44C>A (p.Thr15Asn)

Gene: KCNA5 (potassium voltage-gated channel subfamily A member 5; plus strand). Cytogenetic location: 12p13.32.
Variant type: single nucleotide variant.
Coding change: c.44C>A on transcript NM_002234.4 (MANE Select); coding-DNA position 44, C replaced by A.
Protein change: p.Thr15Asn; replaces threonine 15 with asparagine.
Molecular consequence: missense variant.
Genome position (GRCh38, 1-based): chr12:5,044,191, C>A. VCF-style: chr12-5044191-C-A. GRCh37 (hg19) VCF-style: chr12-5153357-C-A.
Other names: short protein forms T15N.
Identifiers: ClinVar variation 3638334 (VCV003638334.2).